The following is an entry in ClinVar:

NM_000094.4(COL7A1):c.2649del (p.Arg884fs)

Gene: COL7A1 (collagen type VII alpha 1 chain; minus strand). Cytogenetic location: 3p21.31.
Variant type: Deletion.
Coding change: c.2649del on transcript NM_000094.4 (MANE Select); coding-DNA position 2649, one base deleted (G; older notation c.2649delG).
Protein change: p.Arg884fs; shifts the reading frame from arginine 884.
Molecular consequence: frameshift variant.
Genome position (GRCh38, 1-based): chr3:48,588,343, C deleted on the plus strand (G on the coding strand, the reverse complement: COL7A1 is on the minus strand). VCF-style (leftmost placement, unchanged base first): chr3-48588342-TC-T. GRCh37 (hg19) VCF-style: chr3-48625775-TC-T.
Other names: short protein forms R884fs.
Identifiers: ClinVar variation 5013997 (VCV005013997.1).

ClinVar aggregate classification (germline): Pathogenic (1 of 4 stars; one submission).

Conditions:
Recessive dystrophic epidermolysis bullosa (RDEB). Also called: DYSTROPHIC EPIDERMOLYSIS BULLOSA, AUTOSOMAL RECESSIVE; EPIDERMOLYSIS BULLOSA DYSTROPHICA, HALLOPEAU-SIEMENS TYPE; Hallopeau-Siemens Disease; severe generalized recessive dystrophic epidermolysis bullosa; EPIDERMOLYSIS BULLOSA DYSTROPHICA, GENERALIZED SEVERE, AUTOSOMAL RECESSIVE; Epidermolysis Bullosa Distrophica Autosomal Recessive (RDEB). Identifiers: Orphanet 79408, Orphanet 79409, MedGen C0079474, MONDO:0009179, OMIM 226600.

Submission:

Myriad Genetics, Inc.
Classification: Pathogenic for Recessive dystrophic epidermolysis bullosa. Last evaluated: 2025-01-21. Review status: criteria provided, single submitter. Criteria: Myriad Autosomal Dominant, Autosomal Recessive and X-Linked Classification Criteria (2023). Collection method: clinical testing. Allele origin: unknown.
Comment: NM_000094.3(COL7A1):c.2649delG(R884Gfs*49) is expected to be pathogenic in the context of dystrophic epidermolysis bullosa. This variant is predicted to lead to an abnormal or absent protein product due to the creation of a premature termination codon in COL7A1, a gene where loss-of-function variants are known to be pathogenic. Please note: this variant was assessed in the context of healthy population screening.